The following is an entry in ClinVar:

NM_014739.3(BCLAF1):c.744C>T (p.Leu248=)

Gene: BCLAF1 (BCL2 associated transcription factor 1; minus strand). Cytogenetic location: 6q23.3.
Variant type: single nucleotide variant.
Coding change: c.744C>T on transcript NM_014739.3 (MANE Select); coding-DNA position 744, C replaced by T.
Protein change: p.Leu248=; no amino-acid change (leucine 248 retained).
Molecular consequence: synonymous variant. On other transcripts: non-coding transcript variant (7).
Genome position (GRCh38, 1-based): chr6:136,278,137, G>A on the plus strand (C>T on the coding strand, the complement: BCLAF1 is on the minus strand). VCF-style: chr6-136278137-G-A. GRCh37 (hg19) VCF-style: chr6-136599275-G-A.
Other names: c.738C>T, p.Leu246= (NM_001077440.3, NM_001301038.3, NM_001386696.1 and 2 more transcripts); c.744C>T, p.Leu248= (NM_001077441.3, NM_001363659.3, NM_001386693.1 and 8 more transcripts).
Identifiers: ClinVar variation 3024809 (VCV003024809.22), dbSNP rs79123484, ClinGen allele CA4015095.

ClinVar aggregate classification (germline): Likely benign (1 of 4 stars; one submission).

Allele frequency attached by ClinVar (database versions not stated): gnomAD 0.00077; ESP Exome Variant Server 0.00446; ExAC 0.00487.

Submission:

CeGaT Center for Human Genetics Tuebingen
Classification: Likely benign. Last evaluated: 2023-12-01. Review status: criteria provided, single submitter. Criteria: CeGaT Center For Human Genetics Tuebingen Variant Classification Criteria Version 2. Collection method: clinical testing. Allele origin: germline. Affected: yes. Observed: 1 variant allele.
Comment: BCLAF1: BP4, BP7